The following is an entry in ClinVar:

NM_001089.3(ABCA3):c.2883C>T (p.Gly961=)

Gene: ABCA3 (ATP binding cassette subfamily A member 3; minus strand). Cytogenetic location: 16p13.3.
Variant type: single nucleotide variant.
Coding change: c.2883C>T on transcript NM_001089.3 (MANE Select); coding-DNA position 2883, C replaced by T.
Protein change: p.Gly961=; no amino-acid change (glycine 961 retained).
Molecular consequence: synonymous variant.
Genome position (GRCh38, 1-based): chr16:2,288,147, G>A on the plus strand (C>T on the coding strand, the complement: ABCA3 is on the minus strand). VCF-style: chr16-2288147-G-A. GRCh37 (hg19) VCF-style: chr16-2338148-G-A.
Identifiers: ClinVar variation 915844 (VCV000915844.7), dbSNP rs1298655924, ClinGen allele CA493360847.

ClinVar aggregate classification (germline): Likely pathogenic. Review status: criteria provided, multiple submitters, no conflicts (2 of 4 stars). 3 submissions from 3 submitters: Likely pathogenic (3). Last evaluated 2026-02-09.

Conditions:
Interstitial lung disease due to ABCA3 deficiency. Also called: PULMONARY ALVEOLAR PROTEINOSIS, CONGENITAL, 3. Identifiers: Orphanet 440402, MedGen C1970456, MONDO:0012582, OMIM 610921.
Interstitial lung disease 2 (ILD2). Also called: FIBROCYSTIC PULMONARY DYSPLASIA; FIBROSING ALVEOLITIS, CRYPTOGENIC; Familial idiopathic pulmonary fibrosis. Identifiers: Orphanet 2032, Orphanet 79126, MedGen C5561926, MONDO:0800497, OMIM 178500, MONDO:0800029.

Allele frequency attached by ClinVar (database versions not stated): gnomAD exomes below 0.00001; TOPMed below 0.00001; gnomAD 0.00001.
gnomAD v4.1: 7 of 1,611,352 alleles (0.00043%); highest among the groups gnomAD compares: African/African-American, 0.0013%; no homozygotes.

Submissions (4):

Women's Health and Genetics/Laboratory Corporation of America, LabCorp
Classification: Likely pathogenic for Interstitial lung disease due to ABCA3 deficiency. Last evaluated: 2026-02-09. Review status: criteria provided, single submitter. Criteria: LabCorp Variant Classification Summary - May 2015. Collection method: clinical testing. Allele origin: germline.
Comment: Variant summary: ABCA3 c.2883C>T results in a synonymous change. Several computational tools predict a significant impact on normal splicing: Four predict the variant creates a 5' donor site. One predict the variant strengthens a 5' donor site. However, these predictions have yet to be confirmed by functional studies. The frequency data for this variant in gnomAD is considered unreliable, as metrics indicate poor data quality at this position. c.2883C>T has been observed in compound heterozygous individuals affected with Pulmonary surfactant metabolism dysfunction or interstitial lung disease (Oltvai_2020, Li_2023). These data indicate that the variant may be associated with disease. At least one publication reports experimental evidence evaluating an impact on protein function and the data derived from patient's lung sample showed significantly reduced expression of ABCA3 protein (Oltvai_2020). The following publications have been ascertained in the context of this evaluation (PMID: 36808083, 32532878). ClinVar contains an entry for this variant (Variation ID: 915844). Based on the evidence outlined above, the variant was classified as likely pathogenic.

Labcorp Genetics (formerly Invitae), Labcorp
Classification: Likely pathogenic. Last evaluated: 2023-05-17. Review status: criteria provided, single submitter. Criteria: Invitae Variant Classification Sherloc (09022015). Collection method: clinical testing. Allele origin: germline.
Comment: In summary, the currently available evidence indicates that the variant is pathogenic, but additional data are needed to prove that conclusively. Therefore, this variant has been classified as Likely Pathogenic. This sequence change affects codon 961 of the ABCA3 mRNA. It is a 'silent' change, meaning that it does not change the encoded amino acid sequence of the ABCA3 protein. This variant is not present in population databases (gnomAD no frequency). This variant has been observed in individual(s) with pulmonary surfactant metabolism dysfunction (PMID: 32532878). In at least one individual the data is consistent with being in trans (on the opposite chromosome) from a pathogenic variant. ClinVar contains an entry for this variant (Variation ID: 915844). Algorithms developed to predict the effect of sequence changes on RNA splicing suggest that this variant may disrupt the consensus splice site.

Molecular Diagnostics Laboratory, M Health Fairview: University of Minnesota
Classification: Likely pathogenic for Interstitial lung disease 2. Last evaluated: 2019-01-10. Review status: criteria provided, single submitter. Criteria: ACMG Guidelines, 2015. Collection method: clinical testing. Allele origin: germline. Affected: yes. Observed: 1 variant allele.

Dr. Peter K. Rogan Lab, Western University
No classification provided (evidence only). Condition: Lung cancer. Review status: no classification provided. Collection method: in vitro. Allele origin: not applicable. Functional consequence: retained intron. Not counted in ClinVar's aggregate classification.

Literature cited by the submitters: PubMed 36808083 (cited by Women's Health and Genetics/Laboratory Corporation of America, LabCorp); PubMed 32532878 (cited by Women's Health and Genetics/Laboratory Corporation of America, LabCorp and Labcorp Genetics (formerly Invitae), Labcorp).